The following is an entry in ClinVar:

NM_001256627.2(BRSK2):c.1736G>T (p.Gly579Val)

Gene: BRSK2 (BR serine/threonine kinase 2; plus strand). Cytogenetic location: 11p15.5.
Variant type: single nucleotide variant.
Coding change: c.1736G>T on transcript NM_001256627.2 (MANE Select); coding-DNA position 1736, G replaced by T.
Protein change: p.Gly579Val; replaces glycine 579 with valine.
Molecular consequence: missense variant. On other transcripts: non-coding transcript variant (1).
Genome position (GRCh38, 1-based): chr11:1,456,415, G>T. VCF-style: chr11-1456415-G-T. GRCh37 (hg19) VCF-style: chr11-1477645-G-T.
Other names: c.1736G>T, p.Gly579Val (NM_001256629.2, NM_003957.4); c.1874G>T, p.Gly625Val (NM_001256630.1, NM_001440667.1); c.1556G>T, p.Gly519Val (NM_001282218.2, NM_001440669.1, NM_001440673.1 and 3 more transcripts); c.2168G>T, p.Gly723Val (NM_001440665.1); c.2102G>T, p.Gly701Val (NM_001440666.1); c.1802G>T, p.Gly601Val (NM_001440668.1, NM_001440670.1); c.1622G>T, p.Gly541Val (NM_001440671.1, NM_001440672.1); short protein forms G519V, G541V, G579V, G601V, G625V, G701V, G723V.
Identifiers: ClinVar variation 4880874 (VCV004880874.2).

ClinVar aggregate classification (germline): Uncertain significance (1 of 4 stars; one submission).

gnomAD v4.1: 7 of 1,600,464 alleles (0.00044%); highest among the groups gnomAD compares: Non-Finnish European, 0.0006%; no homozygotes.

Submission:

Dasa
Classification: Uncertain significance. Last evaluated: 2025-10-09. Review status: criteria provided, single submitter. Criteria: DASA Assertion Criteria. Collection method: clinical testing. Allele origin: germline.
Comment: NM_001256627.2(BRSK2):c.1736G>T (p.Gly579Val) is a missense variant that results in the substitution of glycine with valine. This variant is rare in population databases. Computational prediction algorithms are consistent with a deleterious effect. The currently available literature and clinical evidence are not sufficient to establish a definitive association between this variant and the reported condition. Therefore, this variant is classified as a variant of uncertain significance.